The following is an entry in ClinVar:

NM_014714.4(IFT140):c.1432+1G>A

Genes: IFT140 (intraflagellar transport 140; minus strand), LOC105371046 (uncharacterized LOC105371046; plus strand). Cytogenetic location: 16p13.3.
Variant type: single nucleotide variant.
Coding change: c.1432+1G>A on transcript NM_014714.4 (MANE Select); the canonical splice donor site of the intron after coding-DNA position 1432, G replaced by A.
Molecular consequence: splice donor variant.
Genome position (GRCh38, 1-based): chr16:1,583,313, C>T on the plus strand (G>A on the coding strand, the complement: IFT140 is on the minus strand). VCF-style: chr16-1583313-C-T. GRCh37 (hg19) VCF-style: chr16-1633314-C-T.
Identifiers: ClinVar variation 3348113 (VCV003348113.2).

ClinVar aggregate classification (germline): Likely pathogenic. Review status: criteria provided, single submitter (1 of 4 stars). 2 submissions from 2 submitters: Likely pathogenic (1). 1 of the submissions does not count toward it. Last evaluated 2024-05-11.

Conditions:
IFT140-related disorder. Also called: IFT140-related condition.
Retinitis pigmentosa 80 (RP80). Identifiers: MedGen C4540439, MONDO:0054708, OMIM 617781.
Saldino-Mainzer syndrome (SRTD9). Also called: CONORENAL SYNDROME; Renal dysplasia, retinal pigmentary dystrophy, cerebellar ataxia and skeletal dysplasia; SHORT-RIB THORACIC DYSPLASIA 9 WITHOUT POLYDACTYLY; short-rib thoracic dysplasia 9 with or without polydactyly. Identifiers: Orphanet 140969, MedGen C1849437, MONDO:0009964, OMIM 266920.

gnomAD v4.1: 4 of 1,613,830 alleles (0.00025%); highest among the groups gnomAD compares: Non-Finnish European, 0.00034%; no homozygotes.

Submissions (2):

Fulgent Genetics
Classification: Likely pathogenic for Saldino-Mainzer syndrome; Retinitis pigmentosa 80. Last evaluated: 2024-05-11. Review status: criteria provided, single submitter. Criteria: ACMG Guidelines, 2015. Collection method: clinical testing. Allele origin: germline.

PreventionGenetics, part of Exact Sciences
Classification: Likely pathogenic for IFT140-related condition. Last evaluated: 2024-03-27. Review status: no assertion criteria provided. Collection method: clinical testing. Allele origin: germline. Not counted in ClinVar's aggregate classification.
Comment: The IFT140 c.1432+1G>A variant is predicted to disrupt the GT donor site and interfere with normal splicing. To our knowledge, this variant has not been reported in the literature or in a large population database, indicating this variant is rare. Variants that disrupt the consensus splice donor site in IFT140 are expected to be pathogenic. This variant is interpreted as likely pathogenic for both autosomal dominant and recessive IFT140-related disorders.